The following is an entry in ClinVar:

NM_018979.4(WNK1):c.4118C>G (p.Ser1373Cys)

Gene: WNK1 (WNK lysine deficient protein kinase 1; plus strand). Cytogenetic location: 12p13.33.
Variant type: single nucleotide variant.
Coding change: c.4118C>G on transcript NM_018979.4 (MANE Select); coding-DNA position 4118, C replaced by G.
Protein change: p.Ser1373Cys; replaces serine 1373 with cysteine.
Molecular consequence: missense variant.
Genome position (GRCh38, 1-based): chr12:884,922, C>G. VCF-style: chr12-884922-C-G. GRCh37 (hg19) VCF-style: chr12-994088-C-G.
Other names: c.4898C>G, p.Ser1633Cys (NM_001184985.2); c.3377C>G, p.Ser1126Cys (NM_014823.3); c.4874C>G, p.Ser1625Cys (NM_213655.5); short protein forms S1126C, S1633C, S1373C, S1625C.
Identifiers: ClinVar variation 1518391 (VCV001518391.8), dbSNP rs2154084013, ClinGen allele CA383330603.

ClinVar aggregate classification (germline): Uncertain significance (1 of 4 stars; one submission).

Conditions:
Neuropathy, hereditary sensory and autonomic, type 2A (HSAN2A). Also called: HSAN IIA; ACROOSTEOLYSIS, GIACCAI TYPE; ACROOSTEOLYSIS, NEUROGENIC; MORVAN DISEASE; NEUROPATHY, CONGENITAL SENSORY; NEUROPATHY, HEREDITARY SENSORY RADICULAR, AUTOSOMAL RECESSIVE. Identifiers: Orphanet 970, MedGen C2752089, MONDO:0024309, OMIM 201300.
Pseudohypoaldosteronism type 2C (PHA2C). Also called: Pseudohypoaldosteronism Type IIC. Identifiers: Orphanet 757, Orphanet 88940, MedGen C1840391, MONDO:0013778, OMIM 614492.

Submission:

Labcorp Genetics (formerly Invitae), Labcorp
Classification: Uncertain significance for Neuropathy, hereditary sensory and autonomic, type 2A; Pseudohypoaldosteronism type 2C. Last evaluated: 2021-07-10. Review status: criteria provided, single submitter. Criteria: Invitae Variant Classification Sherloc (09022015). Collection method: clinical testing. Allele origin: germline.
Comment: In summary, the available evidence is currently insufficient to determine the role of this variant in disease. Therefore, it has been classified as a Variant of Uncertain Significance. Algorithms developed to predict the effect of sequence changes on RNA splicing suggest that this variant may create or strengthen a splice site. Advanced modeling of protein sequence and biophysical properties (such as structural, functional, and spatial information, amino acid conservation, physicochemical variation, residue mobility, and thermodynamic stability) performed at Invitae indicates that this missense variant is not expected to disrupt WNK1 protein function. This variant has not been reported in the literature in individuals affected with WNK1-related conditions. This variant is not present in population databases (ExAC no frequency). This sequence change replaces serine with cysteine at codon 1625 of the WNK1 protein (p.Ser1625Cys). The serine residue is highly conserved and there is a moderate physicochemical difference between serine and cysteine.